The following is an entry in ClinVar:

ClinVar aggregate classification (germline): Benign. Review status: criteria provided, multiple submitters, no conflicts (2 of 4 stars). 2 submissions from 2 submitters: Benign (2). Last evaluated 2026-04-01.

Allele frequency attached by ClinVar (database versions not stated): gnomAD 0.00395; TOPMed 0.00396; ESP Exome Variant Server 0.00438; 1000 Genomes Project 30x 0.00453; 1000 Genomes Project 0.00479.

Submissions (2):

CeGaT Center for Human Genetics Tuebingen
Classification: Benign. Last evaluated: 2026-04-01. Review status: criteria provided, single submitter. Criteria: CeGaT Center For Human Genetics Tuebingen Variant Classification Criteria Version 2. Collection method: clinical testing. Allele origin: germline. Affected: yes. Observed: 2 variant alleles.
Comment: ATP11A: BP4, BS1, BS2

Labcorp Genetics (formerly Invitae), Labcorp
Classification: Benign. Last evaluated: 2018-06-01. Review status: criteria provided, single submitter. Criteria: Invitae Variant Classification Sherloc (09022015). Collection method: clinical testing. Allele origin: germline.

NM_015205.3(ATP11A):c.*10-20C>G

Genes: ATP11A (ATPase phospholipid transporting 11A; plus strand), LOC128772390 (melanoma risk locus-associated MPRA allelic enhancer 13:113536132; plus strand). Cytogenetic location: 13q34.
Variant type: single nucleotide variant.
Coding change: c.*10-20C>G on transcript NM_015205.3 (MANE Select); 20 bases into the intron before 10 bases downstream of the stop codon, C replaced by G.
Molecular consequence: intron variant. On other transcripts: missense variant (1).
Genome position (GRCh38, 1-based): chr13:112,881,856, C>G. VCF-style: chr13-112881856-C-G. GRCh37 (hg19) VCF-style: chr13-113536170-C-G.
Other names: c.3368C>G, p.Thr1123Ser (NM_032189.4); short protein forms T1123S.
Identifiers: ClinVar variation 787109 (VCV000787109.7), dbSNP rs146811815, ClinGen allele CA7057638.